The following is an entry in ClinVar:

NM_002474.3(MYH11):c.721C>A (p.Arg241=)

Gene: MYH11 (myosin heavy chain 11; minus strand). Cytogenetic location: 16p13.11.
Variant type: single nucleotide variant.
Coding change: c.721C>A on transcript NM_002474.3 (MANE Select); coding-DNA position 721, C replaced by A.
Protein change: p.Arg241=; no amino-acid change (arginine 241 retained).
Molecular consequence: synonymous variant.
Genome position (GRCh38, 1-based): chr16:15,782,390, G>T on the plus strand (C>A on the coding strand, the complement: MYH11 is on the minus strand). VCF-style: chr16-15782390-G-T. GRCh37 (hg19) VCF-style: chr16-15876247-G-T.
Other names: c.742C>A, p.Arg248= (NM_001040113.2, NM_001040114.2); c.721C>A, p.Arg241= (NM_022844.3).
Identifiers: ClinVar variation 257263 (VCV000257263.18), dbSNP rs112895882, ClinGen allele CA7922846.

ClinVar aggregate classification (germline): Likely benign. Review status: criteria provided, multiple submitters, no conflicts (2 of 4 stars). 6 submissions from 6 submitters: Likely benign (6). Last evaluated 2025-12-21.

Conditions:
Familial thoracic aortic aneurysm and aortic dissection (TAAD). Also called: Thoracic aortic aneurysms and dissections. Identifiers: Orphanet 91387, MedGen C4707243, MONDO:0019625.
Aortic aneurysm, familial thoracic 4 (AAT4). Also called: AORTIC ANEURYSM/AORTIC DISSECTION AND PATENT DUCTUS ARTERIOSUS. Identifiers: MedGen C1851504, MONDO:0007568, OMIM 132900.

Allele frequency attached by ClinVar (database versions not stated): TOPMed 0.00003.
gnomAD v4.1: 47 of 1,613,894 alleles (0.0029%); highest among the groups gnomAD compares: African/African-American, 0.032%; 1 homozygote.

Submissions (6):

Labcorp Genetics (formerly Invitae), Labcorp
Classification: Likely benign for Aortic aneurysm, familial thoracic 4. Last evaluated: 2025-12-21. Review status: criteria provided, single submitter. Criteria: Invitae Variant Classification Sherloc (09022015). Collection method: clinical testing. Allele origin: germline.

All of Us Research Program, National Institutes of Health
Classification: Likely benign for Familial thoracic aortic aneurysm and aortic dissection. Last evaluated: 2024-09-23. Review status: criteria provided, single submitter. Criteria: ACMG Guidelines, 2015. Collection method: clinical testing. Allele origin: germline. Inheritance: Autosomal dominant inheritance. Observed: 1 variant allele, 1 heterozygote.
Comment: This study involves interpretation of variants in research participants for the purpose of population health screening. Participant phenotype was not available at the time of variant classification. Additional details can be found in publication PMID: 35346344, PMCID: PMC8962531

Blueprint Genetics
Classification: Likely benign. Last evaluated: 2024-01-17. Review status: criteria provided, single submitter. Criteria: ACMG Guidelines, 2015. Collection method: clinical testing. Allele origin: germline.

Color Diagnostics, LLC DBA Color Health
Classification: Likely benign for Familial thoracic aortic aneurysm and aortic dissection. Last evaluated: 2021-03-16. Review status: criteria provided, single submitter. Criteria: ACMG Guidelines, 2015. Collection method: clinical testing. Allele origin: germline.

Ambry Genetics
Classification: Likely benign for Familial thoracic aortic aneurysm and aortic dissection. Last evaluated: 2019-05-19. Review status: criteria provided, single submitter. Criteria: Ambry Variant Classification Scheme 2023. Collection method: clinical testing. Allele origin: germline.

PreventionGenetics, part of Exact Sciences
Classification: Likely benign. Review status: criteria provided, single submitter. Criteria: ACMG Guidelines, 2015. Collection method: clinical testing. Allele origin: germline.